The following is an entry in ClinVar:

ClinVar aggregate classification (germline): Uncertain significance (1 of 4 stars; one submission).

Submission:

Ambry Genetics
Classification: Uncertain significance. Last evaluated: 2025-02-17. Review status: criteria provided, single submitter. Criteria: Ambry Variant Classification Scheme 2023. Collection method: clinical testing. Allele origin: germline.
Comment: The p.S46R variant (also known as c.138C>G), located in coding exon 1 of the PALLD gene, results from a C to G substitution at nucleotide position 138. The serine at codon 46 is replaced by arginine, an amino acid with dissimilar properties. This amino acid position is conserved. In addition, this alteration is predicted to be tolerated by in silico analysis. Based on the available evidence, the clinical significance of this variant remains unclear.

NM_001166108.2(PALLD):c.1965-12893C>G

Gene: PALLD (palladin, cytoskeletal associated protein; plus strand). Cytogenetic location: 4q32.3.
Variant type: single nucleotide variant.
Coding change: c.1965-12893C>G on transcript NM_001166108.2 (MANE Select); 12893 bases into the intron before coding-DNA position 1965, C replaced by G.
Molecular consequence: intron variant. On other transcripts: missense variant (1).
Genome position (GRCh38, 1-based): chr4:168,878,029, C>G. VCF-style: chr4-168878029-C-G. GRCh37 (hg19) VCF-style: chr4-169799180-C-G.
Other names: c.138C>G, p.Ser46Arg (NM_001166110.2); c.1965-12893C>G (NM_016081.4); c.819-12893C>G (NM_001166109.2); c.-157-12893C>G (NM_001367570.1, NM_001367568.1, NM_001367567.1 and 1 more transcripts); short protein forms S46R.
Identifiers: ClinVar variation 3885242 (VCV003885242.1).
Genomic context (GRCh38, chr4:168,878,029, plus strand): 5'-CATCGCCGCGCAGAACCTCGGGCCCGCGTCGGGCCACGGCACGCCGGCCTCCAGCCCCAG[C>G]TCGTCCAGCCTCCCGTCGCCCATGTCCCCGACGCCGAGGCAGTTCGGCCGCGCCCCCGTG-3'